The following is an entry in ClinVar:

NM_003126.4(SPTA1):c.775G>A (p.Ala259Thr)

Gene: SPTA1 (spectrin alpha, erythrocytic 1; minus strand). Cytogenetic location: 1q23.1.
Variant type: single nucleotide variant.
Coding change: c.775G>A on transcript NM_003126.4 (MANE Select); coding-DNA position 775, G replaced by A.
Protein change: p.Ala259Thr; replaces alanine 259 with threonine.
Molecular consequence: missense variant.
Genome position (GRCh38, 1-based): chr1:158,678,438, C>T on the plus strand (G>A on the coding strand, the complement: SPTA1 is on the minus strand). VCF-style: chr1-158678438-C-T. GRCh37 (hg19) VCF-style: chr1-158648228-C-T.
Other names: p.Ala259Thr; short protein forms A259T.
Identifiers: ClinVar variation 293049 (VCV000293049.15), dbSNP rs187932146, ClinGen allele CA1184041.
Genomic context (GRCh38, chr1:158,678,438, plus strand): 5'-TAAAGCAGTGGCCAGATCCATACCTTTTGAATCGTTGTAAGTTTGCAGCATTGGACAGAG[C>T]TTTCTGTCTCTGGAGAGCCAAACCACGAAGGCGCTCCCAGGCAGCATTCACCTCATTTTG-3'
Protein context (NP_003117.2, residues 249-269): LRGLALQRQK[Ala259Thr]LSNAANLQRF

ClinVar aggregate classification (germline): Conflicting classifications of pathogenicity. Review status: criteria provided, conflicting classifications (1 of 4 stars). 8 submissions from 6 submitters: Uncertain significance (3); Benign (1); Likely benign (4). Last evaluated 2025-12-29.

Conditions:
Elliptocytosis 2 (EL2). Also called: ELLIPTOCYTOSIS, RHESUS-UNLINKED TYPE. Identifiers: Orphanet 288, MedGen C1851741, MONDO:0007533, OMIM 130600.
Pyropoikilocytosis, hereditary. Also called: Pyropoikilocytosis. Identifiers: MedGen C0520739, MONDO:0009948, OMIM 266140, HP:0004839. Disease mechanism: loss of function.
Hereditary spherocytosis type 3. Also called: Spherocytosis type 3; SPTA1-Related Spherocytosis. Identifiers: Orphanet 822, MedGen C2678338, MONDO:0010053, OMIM 270970.
SPTA1-related disorder. Also called: SPTA1-related condition; SPTA1-related disorders.

Allele frequency attached by ClinVar (database versions not stated): 1000 Genomes Project 0.00060; 1000 Genomes Project 30x 0.00062; ExAC 0.00078; TOPMed 0.00108; ESP Exome Variant Server 0.00109; gnomAD 0.00113 and 0.00116.
gnomAD v4.1: 2,184 of 1,613,758 alleles (0.14%); highest among the groups gnomAD compares: Non-Finnish European, 0.16%; 7 homozygotes.

Submissions (8):

PreventionGenetics, part of Exact Sciences
Classification: Likely benign for SPTA1-related condition. Last evaluated: 2025-12-29. Review status: criteria provided, single submitter. Criteria: ACMG Guidelines, 2015. Collection method: clinical testing. Allele origin: germline.
Comment: This variant is classified as likely benign based on ACMG/AMP sequence variant interpretation guidelines (Richards et al. 2015 PMID: 25741868, with internal and published modifications).

Labcorp Genetics (formerly Invitae), Labcorp
Classification: Benign. Last evaluated: 2025-12-16. Review status: criteria provided, single submitter. Criteria: Invitae Variant Classification Sherloc (09022015). Collection method: clinical testing. Allele origin: germline.

Mayo Clinic Laboratories, Mayo Clinic
Classification: Likely benign. Last evaluated: 2025-06-24. Review status: criteria provided, single submitter. Criteria: ACMG Guidelines, 2015. Collection method: clinical testing. Allele origin: germline. Observed: 3 variant alleles.
Comment: BP4_strong

Blueprint Genetics
Classification: Likely benign. Last evaluated: 2024-10-25. Review status: criteria provided, single submitter. Criteria: ACMG Guidelines, 2015. Collection method: clinical testing. Allele origin: germline.

Revvity Omics, Revvity
Classification: Likely benign. Last evaluated: 2024-08-13. Review status: criteria provided, single submitter. Criteria: ACMG Guidelines, 2015. Collection method: clinical testing. Allele origin: germline.

Illumina Laboratory Services, Illumina
Classification: Uncertain significance for Hereditary spherocytosis type 3. Last evaluated: 2018-01-12. Review status: criteria provided, single submitter. Criteria: ICSL Variant Classification Criteria 13 December 2019. Collection method: clinical testing. Allele origin: germline.

Illumina Laboratory Services, Illumina
Classification: Uncertain significance for Elliptocytosis 2. Last evaluated: 2018-01-12. Review status: criteria provided, single submitter. Criteria: ICSL Variant Classification Criteria 13 December 2019. Collection method: clinical testing. Allele origin: germline.

Illumina Laboratory Services, Illumina
Classification: Uncertain significance for Pyropoikilocytosis, hereditary. Last evaluated: 2018-01-12. Review status: criteria provided, single submitter. Criteria: ICSL Variant Classification Criteria 13 December 2019. Collection method: clinical testing. Allele origin: germline.